The following is an entry in ClinVar:

NM_001286445.3(RIPOR2):c.2539C>T (p.Arg847Trp)

Gene: RIPOR2 (RHO family interacting cell polarization regulator 2; minus strand). Cytogenetic location: 6p22.3.
Variant type: single nucleotide variant.
Coding change: c.2539C>T on transcript NM_001286445.3 (MANE Select); coding-DNA position 2539, C replaced by T.
Protein change: p.Arg847Trp; replaces arginine 847 with tryptophan.
Molecular consequence: missense variant.
Genome position (GRCh38, 1-based): chr6:24,828,263, G>A on the plus strand (C>T on the coding strand, the complement: RIPOR2 is on the minus strand). VCF-style: chr6-24828263-G-A. GRCh37 (hg19) VCF-style: chr6-24828491-G-A.
Other names: c.2602C>T (NM_014722.2, NM_014722.3); c.2452C>T, p.Arg818Trp (NM_001346031.2, NM_001346032.2); c.2602C>T, p.Arg868Trp (NM_014722.5); short protein forms R868W, R818W, R847W.
Identifiers: ClinVar variation 2060921 (VCV002060921.9), dbSNP rs368666946, ClinGen allele CA3659097.
Genomic context (GRCh38, chr6:24,828,263, plus strand): 5'-AATACTGGAAAACAGTGACGACTTCCGAGGACAGGCTGGAGGAAAGCAGAGGCTCAGCCC[G>A]GTCCAGAATTTGGGACACCAGGGTTCGAAACACTATTCGGAAGGGAAAGACACAAAGCAG-3'
Protein context (NP_001273374.1, residues 837-857): FRTLVSQILD[Arg847Trp]AEPLLSSSLS

ClinVar aggregate classification (germline): Uncertain significance. Review status: criteria provided, multiple submitters, no conflicts (2 of 4 stars). 3 submissions from 3 submitters: Uncertain significance (3). Last evaluated 2026-01-18.

Allele frequency attached by ClinVar (database versions not stated): ESP Exome Variant Server 0.00022; ExAC 0.00005.
gnomAD v4.1: 73 of 1,548,564 alleles (0.0047%); highest among the groups gnomAD compares: South Asian, 0.037%; no homozygotes.

Submissions (3):

Labcorp Genetics (formerly Invitae), Labcorp
Classification: Uncertain significance. Last evaluated: 2026-01-18. Review status: criteria provided, single submitter. Criteria: Invitae Variant Classification Sherloc (09022015). Collection method: clinical testing. Allele origin: germline.
Comment: This sequence change replaces arginine, which is basic and polar, with tryptophan, which is neutral and slightly polar, at codon 868 of the FAM65B protein (p.Arg868Trp). This variant is present in population databases (rs368666946, gnomAD 0.02%). This variant has not been reported in the literature in individuals affected with FAM65B-related conditions. ClinVar contains an entry for this variant (Variation ID: 2060921). An algorithm developed to predict the effect of missense changes on protein structure and function (PolyPhen-2) suggests that this variant is likely to be disruptive. In summary, the available evidence is currently insufficient to determine the role of this variant in disease. Therefore, it has been classified as a Variant of Uncertain Significance.

Ambry Genetics
Classification: Uncertain significance. Last evaluated: 2025-12-08. Review status: criteria provided, single submitter. Criteria: Ambry Variant Classification Scheme 2023. Collection method: clinical testing. Allele origin: germline.

GeneDx
Classification: Uncertain significance. Last evaluated: 2024-12-20. Review status: criteria provided, single submitter. Criteria: GeneDx Variant Classification Process June 2021. Collection method: clinical testing. Allele origin: germline.
Comment: In silico analysis supports that this missense variant has a deleterious effect on protein structure/function; Has not been previously published as pathogenic or benign to our knowledge